The following is an entry in ClinVar:

NM_003737.4(DCHS1):c.3973G>A (p.Ala1325Thr)

Gene: DCHS1 (dachsous cadherin-related 1; minus strand). Cytogenetic location: 11p15.4.
Variant type: single nucleotide variant.
Coding change: c.3973G>A on transcript NM_003737.4 (MANE Select); coding-DNA position 3973, G replaced by A.
Protein change: p.Ala1325Thr; replaces alanine 1325 with threonine.
Molecular consequence: missense variant.
Genome position (GRCh38, 1-based): chr11:6,630,821, C>T on the plus strand (G>A on the coding strand, the complement: DCHS1 is on the minus strand). VCF-style: chr11-6630821-C-T. GRCh37 (hg19) VCF-style: chr11-6652052-C-T.
Other names: short protein forms A1325T.
Identifiers: ClinVar variation 4742947 (VCV004742947.1).

ClinVar aggregate classification (germline): Uncertain significance (1 of 4 stars; one submission).

gnomAD v4.1: 3 of 1,533,436 alleles (0.0002%); highest among the groups gnomAD compares: East Asian, 0.0024%; no homozygotes.

Submission:

Labcorp Genetics (formerly Invitae), Labcorp
Classification: Uncertain significance. Last evaluated: 2025-04-09. Review status: criteria provided, single submitter. Criteria: Invitae Variant Classification Sherloc (09022015). Collection method: clinical testing. Allele origin: germline.
Comment: This sequence change replaces alanine, which is neutral and non-polar, with threonine, which is neutral and polar, at codon 1325 of the DCHS1 protein (p.Ala1325Thr). The frequency data for this variant in the population databases is considered unreliable, as metrics indicate poor data quality at this position in the gnomAD database. This variant has not been reported in the literature in individuals affected with DCHS1-related conditions. An algorithm developed to predict the effect of missense changes on protein structure and function outputs the following: PolyPhen-2: "Benign". The threonine amino acid residue is found in multiple mammalian species, which suggests that this missense change does not adversely affect protein function. In summary, the available evidence is currently insufficient to determine the role of this variant in disease. Therefore, it has been classified as a Variant of Uncertain Significance.